The following is an entry in ClinVar:

ClinVar aggregate classification (germline): Uncertain significance. Review status: criteria provided, multiple submitters, no conflicts (2 of 4 stars). 2 submissions from 2 submitters: Uncertain significance (2). Last evaluated 2025-08-29.

Conditions:
Infantile spasms. Also called: Infantile spasm. Identifiers: MedGen C3887898, HP:0012469.

Allele frequency attached by ClinVar (database versions not stated): gnomAD exomes below 0.00001; TOPMed below 0.00001.
gnomAD v4.1: 5 of 1,613,386 alleles (0.00031%); highest among the groups gnomAD compares: East Asian, 0.0045%; no homozygotes.

Submissions (2):

Labcorp Genetics (formerly Invitae), Labcorp
Classification: Uncertain significance for Infantile spasms. Last evaluated: 2025-08-29. Review status: criteria provided, single submitter. Criteria: Invitae Variant Classification Sherloc (09022015). Collection method: clinical testing. Allele origin: germline.
Comment: This sequence change replaces threonine, which is neutral and polar, with isoleucine, which is neutral and non-polar, at codon 480 of the PIK3AP1 protein (p.Thr480Ile). This variant is not present in population databases (gnomAD no frequency). This variant has not been reported in the literature in individuals affected with PIK3AP1-related conditions. ClinVar contains an entry for this variant (Variation ID: 1493945). An algorithm developed to predict the effect of missense changes on protein structure and function (PolyPhen-2) suggests that this variant is likely to be tolerated. In summary, the available evidence is currently insufficient to determine the role of this variant in disease. Therefore, it has been classified as a Variant of Uncertain Significance.

Ambry Genetics
Classification: Uncertain significance. Last evaluated: 2025-08-13. Review status: criteria provided, single submitter. Criteria: Ambry Variant Classification Scheme 2023. Collection method: clinical testing. Allele origin: germline.

NM_152309.3(PIK3AP1):c.1439C>T (p.Thr480Ile)

Gene: PIK3AP1 (phosphoinositide-3-kinase adaptor protein 1; minus strand). Cytogenetic location: 10q24.1.
Variant type: single nucleotide variant.
Coding change: c.1439C>T on transcript NM_152309.3 (MANE Select); coding-DNA position 1439, C replaced by T.
Protein change: p.Thr480Ile; replaces threonine 480 with isoleucine.
Molecular consequence: missense variant.
Genome position (GRCh38, 1-based): chr10:96,628,430, G>A on the plus strand (C>T on the coding strand, the complement: PIK3AP1 is on the minus strand). VCF-style: chr10-96628430-G-A. GRCh37 (hg19) VCF-style: chr10-98388187-G-A.
Other names: c.1439C>T (NM_152309.2); short protein forms T480I.
Identifiers: ClinVar variation 1493945 (VCV001493945.9), dbSNP rs1843182697, ClinGen allele CA377756618.
Genomic context (GRCh38, chr10:96,628,430, plus strand): 5'-GGCTTCCCTGCTCATGGCTATGACTTACCTTCTAAAAACTTGCGGATCATAGAGTCCTTA[G>A]TGGCCCGAGAGAAACCATCTCCAGGGATTGGGTTAGATGTACTGGCCTGAAGCATTTCAA-3'
Protein context (NP_689522.2, residues 470-490): PIPGDGFSRA[Thr480Ile]KDSMIRKFLE